The following is an entry in ClinVar:

ClinVar aggregate classification (germline): Likely benign. Review status: criteria provided, multiple submitters, no conflicts (2 of 4 stars). 3 submissions from 3 submitters: Likely benign (3). Last evaluated 2022-03-27.

Conditions:
Hereditary cancer-predisposing syndrome. Also called: Hereditary Cancer Syndrome; Neoplastic Syndromes, Hereditary; Tumor predisposition; Hereditary neoplastic syndrome. Identifiers: Orphanet 140162, MedGen C0027672, MeSH D009386, MONDO:0015356.

Submissions (3):

Labcorp Genetics (formerly Invitae), Labcorp
Classification: Likely benign. Last evaluated: 2022-03-27. Review status: criteria provided, single submitter. Criteria: Invitae Variant Classification Sherloc (09022015). Collection method: clinical testing. Allele origin: germline.

Ambry Genetics
Classification: Likely benign for Hereditary cancer-predisposing syndrome. Last evaluated: 2018-10-31. Review status: criteria provided, single submitter. Criteria: Ambry Variant Classification Scheme 2023. Collection method: clinical testing. Allele origin: germline.

GeneDx
Classification: Likely benign. Last evaluated: 2017-12-11. Review status: criteria provided, single submitter. Criteria: GeneDx Variant Classification (06012015). Collection method: clinical testing. Allele origin: germline. Affected: yes.
Comment: This variant is considered likely benign or benign based on one or more of the following criteria: it is a conservative change, it occurs at a poorly conserved position in the protein, it is predicted to be benign by multiple in silico algorithms, and/or has population frequency not consistent with disease.

NM_006231.4(POLE):c.4644C>T (p.Pro1548=)

Gene: POLE (DNA polymerase epsilon, catalytic subunit; minus strand). Cytogenetic location: 12q24.33.
Variant type: single nucleotide variant.
Coding change: c.4644C>T on transcript NM_006231.4 (MANE Select); coding-DNA position 4644, C replaced by T.
Protein change: p.Pro1548=; no amino-acid change (proline 1548 retained).
Molecular consequence: synonymous variant.
Genome position (GRCh38, 1-based): chr12:132,642,904, G>A on the plus strand (C>T on the coding strand, the complement: POLE is on the minus strand). VCF-style: chr12-132642904-G-A. GRCh37 (hg19) VCF-style: chr12-133219490-G-A.
Identifiers: ClinVar variation 514118 (VCV000514118.11), dbSNP rs1555222721, ClinGen allele CA482849016.